The following is an entry in ClinVar:

NM_000214.3(JAG1):c.232T>C (p.Cys78Arg)

Gene: JAG1 (jagged canonical Notch ligand 1; minus strand). Cytogenetic location: 20p12.2.
Variant type: single nucleotide variant.
Coding change: c.232T>C on transcript NM_000214.3 (MANE Select); coding-DNA position 232, T replaced by C.
Protein change: p.Cys78Arg; replaces cysteine 78 with arginine.
Molecular consequence: missense variant.
Genome position (GRCh38, 1-based): chr20:10,672,856, A>G on the plus strand (T>C on the coding strand, the complement: JAG1 is on the minus strand). VCF-style: chr20-10672856-A-G. GRCh37 (hg19) VCF-style: chr20-10653504-A-G.
Other names: short protein forms C78R.
Identifiers: ClinVar variation 816702 (VCV000816702.4), dbSNP rs1600196455, ClinGen allele CA408243163.

ClinVar aggregate classification (germline): not provided (0 of 4 stars; one submission).

Conditions:
Alagille syndrome due to a JAG1 point mutation. Also called: Alagille Syndrome 1; JAG1-Related Alagille Syndrome; HEPATIC DUCTULAR HYPOPLASIA, SYNDROMATIC. Identifiers: Orphanet 261619, Orphanet 52, MedGen C1956125, MONDO:0016862, OMIM 118450.

Submissions (2):

GeneReviews
No classification provided. Condition: Alagille syndrome due to a JAG1 point mutation. Review status: no classification provided. Collection method: literature only. Allele origin: germline.

Gilbert/Spinner Lab, Children's Hospital of Philadelphia
No classification provided (evidence only). Condition: Alagille syndrome. Review status: no classification provided. Collection method: research. Allele origin: not applicable. Functional consequence: functionally_abnormal. Not counted in ClinVar's aggregate classification.
ClinVar note: "not provided" was previously submitted as the classification for the variant. However, the classification appeared to be based only on an observation of functional data so it was converted to no classification on 2025-07-30.

Literature cited by the submitters: NCBI Bookshelf NBK1273 (cited by GeneReviews); PubMed 20301450 (cited by GeneReviews).